The following is an entry in ClinVar:

NM_001303473.2(GPR146):c.582C>T (p.Ile194=)

Genes: CHLSN (cholesin; minus strand), GPR146 (G protein-coupled receptor 146; plus strand). Cytogenetic location: 7p22.3.
Variant type: single nucleotide variant.
Coding change: c.582C>T on transcript NM_001303473.2 (MANE Select); coding-DNA position 582, C replaced by T.
Protein change: p.Ile194=; no amino-acid change (isoleucine 194 retained).
Molecular consequence: synonymous variant. On other transcripts: intron variant (7).
Genome position (GRCh38, 1-based): chr7:1,058,097, C>T. VCF-style: chr7-1058097-C-T. GRCh37 (hg19) VCF-style: chr7-1097733-C-T.
Other names: c.582C>T, p.Ile194= (NM_001303474.2, NM_138445.4); c.130-47954G>A (NM_001424326.1, NM_001424325.1, NM_001134396.1 and 4 more transcripts).
Identifiers: ClinVar variation 4083729 (VCV004083729.8).

ClinVar aggregate classification (germline): Likely benign (1 of 4 stars; one submission).

gnomAD v4.1: 565 of 765,044 alleles (0.074%); highest among the groups gnomAD compares: Admixed American, 0.12%; no homozygotes.

Submission:

CeGaT Center for Human Genetics Tuebingen
Classification: Likely benign. Last evaluated: 2025-06-01. Review status: criteria provided, single submitter. Criteria: CeGaT Center For Human Genetics Tuebingen Variant Classification Criteria Version 2. Collection method: clinical testing. Allele origin: germline. Affected: yes. Observed: 1 variant allele.
Comment: GPR146: BP4, BP7